The following is an entry in ClinVar:

NM_000368.5(TSC1):c.1998-9T>C

Gene: TSC1 (TSC complex subunit 1; minus strand). Cytogenetic location: 9q34.13.
Variant type: single nucleotide variant.
Coding change: c.1998-9T>C on transcript NM_000368.5 (MANE Select); 9 bases into the intron before coding-DNA position 1998, T replaced by C.
Molecular consequence: intron variant.
Genome position (GRCh38, 1-based): chr9:132,904,463, A>G on the plus strand (T>C on the coding strand, the complement: TSC1 is on the minus strand). VCF-style: chr9-132904463-A-G. GRCh37 (hg19) VCF-style: chr9-135779850-A-G.
Other names: c.1998-9T>C (NM_001406602.1, NM_001406606.1, NM_001406592.1 and 7 more transcripts); c.1995-9T>C (NM_001406600.1, NM_001406598.1, NM_001406604.1 and 6 more transcripts); c.1635-9T>C (NM_001406619.1, NM_001362177.2, NM_001406614.1 and 5 more transcripts); c.1632-9T>C (NM_001406622.1, NM_001406623.1, NM_001406620.1 and 2 more transcripts); c.1842-9T>C (NM_001406611.1, NM_001406613.1, NM_001406612.1); c.1845-9T>C (NM_001162427.2, NM_001406610.1); c.1044-9T>C (NM_001406628.1, NM_001406627.1); c.1047-9T>C (NM_001406626.1); and 1 more.
Identifiers: ClinVar variation 3072330 (VCV003072330.1), dbSNP rs773667263, ClinGen allele CA030565.

ClinVar aggregate classification (germline): Likely benign (1 of 4 stars; one submission).

Conditions:
Tuberous sclerosis syndrome (TSC). Also called: Tuberous Sclerosis Complex; Tuberous sclerosis. Identifiers: Orphanet 805, MedGen C0041341, MONDO:0001734.

Allele frequency attached by ClinVar (database versions not stated): gnomAD exomes below 0.00001; ExAC 0.00001.
gnomAD v4.1: 1 of 1,613,950 alleles (0.000062%); highest among the groups gnomAD compares: South Asian, 0.0011%; no homozygotes.

Submission:

All of Us Research Program, National Institutes of Health
Classification: Likely benign for Tuberous sclerosis syndrome. Last evaluated: 2023-07-10. Review status: criteria provided, single submitter. Criteria: ACMG Guidelines, 2015. Collection method: clinical testing. Allele origin: germline. Inheritance: Autosomal dominant inheritance. Observed: 1 variant allele, 1 heterozygote.
Comment: This study involves interpretation of variants in research participants for the purpose of population health screening. Participant phenotype was not available at the time of variant classification. Additional details can be found in publication PMID: 35346344, PMCID: PMC8962531